The following is an entry in ClinVar:

ClinVar aggregate classification (germline): Benign (1 of 4 stars; one submission).

Conditions:
Cutis laxa with osteodystrophy (ARCL2A). Also called: CUTIS LAXA WITH CONGENITAL DISORDER OF GLYCOSYLATION; Autosomal recessive cutis laxa type 2A; CUTIS LAXA, AUTOSOMAL RECESSIVE, TYPE IIA; Debré-Type Cutis Laxa; CUTIS LAXA WITH BONE DYSTROPHY; CUTIS LAXA WITH GROWTH AND DEVELOPMENTAL DELAY. Identifiers: Orphanet 357058, MedGen C0268355, MONDO:0018163, OMIM 219200. Disease mechanism: loss of function.

Allele frequency attached by ClinVar (database versions not stated): 1000 Genomes Project 30x 0.00906; gnomAD 0.01081 and 0.01010; 1000 Genomes Project 0.00958; TOPMed 0.01169.

Submission:

Illumina Laboratory Services, Illumina
Classification: Benign for Cutis laxa with osteodystrophy. Last evaluated: 2018-01-13. Review status: criteria provided, single submitter. Criteria: ICSL Variant Classification Criteria 13 December 2019. Collection method: clinical testing. Allele origin: germline.
Comment: This variant was observed in the ICSL laboratory as part of a predisposition screen in an ostensibly healthy population. It had not been previously curated by ICSL or reported in the Human Gene Mutation Database (HGMD: prior to June 1st, 2018), and was therefore a candidate for classification through an automated scoring system. Utilizing variant allele frequency, disease prevalence and penetrance estimates, and inheritance mode, an automated score was calculated to assess if this variant is too frequent to cause the disease. Based on the score and internal cut-off values, a variant classified as benign is not then subjected to further curation. The score for this variant resulted in a classification of benign for this disease.

NM_012463.4(ATP6V0A2):c.*1731C>T

Gene: ATP6V0A2 (ATPase H+ transporting V0 subunit a2; plus strand). Cytogenetic location: 12q24.31.
Variant type: single nucleotide variant.
Coding change: c.*1731C>T on transcript NM_012463.4 (MANE Select); 1731 bases downstream of the stop codon, C replaced by T.
Molecular consequence: 3 prime UTR variant.
Genome position (GRCh38, 1-based): chr12:123,759,763, C>T. VCF-style: chr12-123759763-C-T. GRCh37 (hg19) VCF-style: chr12-124244310-C-T.
Identifiers: ClinVar variation 883246 (VCV000883246.4), dbSNP rs114514797, ClinGen allele CA245167226.